The following is an entry in ClinVar:

NM_018136.5(ASPM):c.9578G>A (p.Arg3193His)

Gene: ASPM (assembly factor for spindle microtubules; minus strand). Cytogenetic location: 1q31.3.
Variant type: single nucleotide variant.
Coding change: c.9578G>A on transcript NM_018136.5 (MANE Select); coding-DNA position 9578, G replaced by A.
Protein change: p.Arg3193His; replaces arginine 3193 with histidine.
Molecular consequence: missense variant.
Genome position (GRCh38, 1-based): chr1:197,090,908, C>T on the plus strand (G>A on the coding strand, the complement: ASPM is on the minus strand). VCF-style: chr1-197090908-C-T. GRCh37 (hg19) VCF-style: chr1-197060038-C-T.
Other names: c.4823G>A, p.Arg1608His (NM_001206846.2); short protein forms R1608H, R3193H.
Identifiers: ClinVar variation 1300352 (VCV001300352.6), dbSNP rs373418682, ClinGen allele CA1308919.

ClinVar aggregate classification (germline): Uncertain significance. Review status: criteria provided, multiple submitters, no conflicts (2 of 4 stars). 3 submissions from 3 submitters: Uncertain significance (3). Last evaluated 2025-11-26.

Conditions:
Microcephaly 5, primary, autosomal recessive (MCPH5). Also called: ASPM Primary Microcephaly. Identifiers: Orphanet 2512, MedGen C1837501, MONDO:0012106, OMIM 608716.
Inborn genetic diseases. Identifiers: MedGen C0950123, MeSH D030342.

Allele frequency attached by ClinVar (database versions not stated): ExAC 0.00002; gnomAD 0.00002; gnomAD exomes 0.00002 and 0.00005; TOPMed 0.00005; ESP Exome Variant Server 0.00008.
gnomAD v4.1: 79 of 1,613,198 alleles (0.0049%); highest among the groups gnomAD compares: Non-Finnish European, 0.0058%; no homozygotes.

Submissions (3):

Ambry Genetics
Classification: Uncertain significance for Inborn genetic diseases. Last evaluated: 2025-11-26. Review status: criteria provided, single submitter. Criteria: Ambry Variant Classification Scheme 2023. Collection method: clinical testing. Allele origin: germline.

Genome-Nilou Lab
Classification: Uncertain significance for Microcephaly 5, primary, autosomal recessive. Last evaluated: 2023-04-11. Review status: criteria provided, single submitter. Criteria: ACMG Guidelines, 2015. Collection method: clinical testing. Allele origin: germline. Affected: no.

GeneDx
Classification: Uncertain significance. Last evaluated: 2021-09-13. Review status: criteria provided, single submitter. Criteria: GeneDx Variant Classification Process June 2021. Collection method: clinical testing. Allele origin: germline. Affected: yes.
Comment: Not observed at significant frequency in large population cohorts (Lek et al., 2016); In silico analysis supports that this missense variant has a deleterious effect on protein structure/function; Missense variant in a gene in which most reported pathogenic variants are truncating/loss-of-function; Has not been previously published as pathogenic or benign to our knowledge